The following is an entry in ClinVar:

NM_001941.5(DSC3):c.2114-1G>A

Gene: DSC3 (desmocollin 3; minus strand). Cytogenetic location: 18q12.1.
Variant type: single nucleotide variant.
Coding change: c.2114-1G>A on transcript NM_001941.5 (MANE Select); the canonical splice acceptor site of the intron before coding-DNA position 2114, G replaced by A.
Molecular consequence: splice acceptor variant.
Genome position (GRCh38, 1-based): chr18:31,001,740, C>T on the plus strand (G>A on the coding strand, the complement: DSC3 is on the minus strand). VCF-style: chr18-31001740-C-T. GRCh37 (hg19) VCF-style: chr18-28581706-C-T.
Other names: c.2114-1G>A (NM_024423.4).
Identifiers: ClinVar variation 5005877 (VCV005005877.2).

ClinVar aggregate classification (germline): Likely pathogenic (1 of 4 stars; one submission).

Conditions:
Hereditary hypotrichosis with recurrent skin vesicles. Identifiers: Orphanet 217407, MedGen C2751292, MONDO:0013136, OMIM 613102.

Submission:

Juno Genomics, Hangzhou Juno Genomics, Inc
Classification: Likely pathogenic for Hereditary hypotrichosis with recurrent skin vesicles. Review status: criteria provided, single submitter. Criteria: ACMG Guidelines, 2015. Collection method: clinical testing. Allele origin: germline.
Comment: Null variant in a gene where loss of function (LOF) is a known mechanism of disease.;Absent from controls (or at extremely low frequency if recessive) in Genome Aggregation Database.